The following is an entry in ClinVar:

ClinVar aggregate classification (germline): Uncertain significance (1 of 4 stars; one submission).

Conditions:
Charcot-Marie-Tooth disease type 2. Also called: Charcot-Marie-Tooth type 2. Identifiers: Orphanet 64746, MedGen C0270914, MONDO:0018993.

Submission:

Labcorp Genetics (formerly Invitae), Labcorp
Classification: Uncertain significance for Charcot-Marie-Tooth disease type 2. Last evaluated: 2022-11-06. Review status: criteria provided, single submitter. Criteria: Invitae Variant Classification Sherloc (09022015). Collection method: clinical testing. Allele origin: germline.
Comment: This sequence change replaces arginine, which is basic and polar, with lysine, which is basic and polar, at codon 275 of the LMNA protein (p.Arg275Lys). In summary, the available evidence is currently insufficient to determine the role of this variant in disease. Therefore, it has been classified as a Variant of Uncertain Significance. Algorithms developed to predict the effect of missense changes on protein structure and function (SIFT, PolyPhen-2, Align-GVGD) all suggest that this variant is likely to be tolerated. This variant has not been reported in the literature in individuals affected with LMNA-related conditions. This variant is not present in population databases (gnomAD no frequency).

NM_170707.4(LMNA):c.824G>A (p.Arg275Lys)

Gene: LMNA (lamin A/C; plus strand). Cytogenetic location: 1q22.
Variant type: single nucleotide variant.
Coding change: c.824G>A on transcript NM_170707.4 (MANE Select); coding-DNA position 824, G replaced by A.
Protein change: p.Arg275Lys; replaces arginine 275 with lysine.
Molecular consequence: missense variant.
Genome position (GRCh38, 1-based): chr1:156,135,200, G>A. VCF-style: chr1-156135200-G-A. GRCh37 (hg19) VCF-style: chr1-156104991-G-A.
Other names: c.488G>A, p.Arg163Lys (NM_001257374.3, NM_001406989.1, NM_001406998.1); c.581G>A, p.Arg194Lys (NM_001282624.2, NM_001406986.1, NM_001406987.1); c.824G>A, p.Arg275Lys (NM_001282625.2, NM_001282626.2, NM_001406983.1 and 6 more transcripts); c.527G>A, p.Arg176Lys (NM_001406988.1); c.266G>A, p.Arg89Lys (NM_001406990.1, NM_001406993.1, NM_001406995.1 and 4 more transcripts); c.160G>A, p.Gly54Ser (NM_001406994.1, NM_001407001.1, NM_001406999.1 and 1 more transcripts); short protein forms R176K, R89K, R163K, R194K, G54S, R275K.
Identifiers: ClinVar variation 2812288 (VCV002812288.3), dbSNP rs2527978747, ClinGen allele CA342817494.